The following is an entry in ClinVar:

NM_000051.4(ATM):c.4570C>A (p.Leu1524Ile)

Gene: ATM (ATM serine/threonine kinase; plus strand). Cytogenetic location: 11q22.3.
Variant type: single nucleotide variant.
Coding change: c.4570C>A on transcript NM_000051.4 (MANE Select); coding-DNA position 4570, C replaced by A.
Protein change: p.Leu1524Ile; replaces leucine 1524 with isoleucine.
Molecular consequence: missense variant.
Genome position (GRCh38, 1-based): chr11:108,292,752, C>A. VCF-style: chr11-108292752-C-A. GRCh37 (hg19) VCF-style: chr11-108163479-C-A.
Other names: c.4570C>A, p.Leu1524Ile (NM_001351834.2); short protein forms L1524I.
Identifiers: ClinVar variation 825011 (VCV000825011.11), dbSNP rs780603110, ClinGen allele CA6265494.

ClinVar aggregate classification (germline): Uncertain significance. Review status: criteria provided, multiple submitters, no conflicts (2 of 4 stars). 3 submissions from 3 submitters: Uncertain significance (3). Last evaluated 2025-09-21.

Conditions:
Hereditary cancer-predisposing syndrome. Also called: Neoplastic Syndromes, Hereditary; Hereditary Cancer Syndrome; Hereditary neoplastic syndrome; Tumor predisposition. Identifiers: Orphanet 140162, MedGen C0027672, MeSH D009386, MONDO:0015356.
Ataxia-telangiectasia syndrome (AT). Also called: ATAXIA-TELANGIECTASIA, COMPLEMENTATION GROUP A; ATAXIA-TELANGIECTASIA, FRESNO VARIANT; Ataxia-telangiectasia, complementation group E; Ataxia telangiectasia (A-T); LOUIS-BAR SYNDROME; Cerebello-oculocutaneous telangiectasia. Identifiers: Orphanet 100, MedGen C0004135, MONDO:0008840, OMIM 208900.

Allele frequency attached by ClinVar (database versions not stated): TOPMed below 0.00001.
gnomAD v4.1: 3 of 1,614,036 alleles (0.00019%); highest among the groups gnomAD compares: Admixed American, 0.005%; no homozygotes.

Submissions (3):

Ambry Genetics
Classification: Uncertain significance for Hereditary cancer-predisposing syndrome. Last evaluated: 2025-09-21. Review status: criteria provided, single submitter. Criteria: Ambry Variant Classification Scheme 2023. Collection method: clinical testing. Allele origin: germline.
Comment: The p.L1524I variant (also known as c.4570C>A), located in coding exon 29 of the ATM gene, results from a C to A substitution at nucleotide position 4570. The leucine at codon 1524 is replaced by isoleucine, an amino acid with highly similar properties. This amino acid position is well conserved in available vertebrate species. In addition, this alteration is predicted to be tolerated by in silico analysis. Since supporting evidence is limited at this time, the clinical significance of this alteration remains unclear.

Labcorp Genetics (formerly Invitae), Labcorp
Classification: Uncertain significance for Ataxia-telangiectasia syndrome. Last evaluated: 2025-03-04. Review status: criteria provided, single submitter. Criteria: Invitae Variant Classification Sherloc (09022015). Collection method: clinical testing. Allele origin: germline.
Comment: This sequence change replaces leucine, which is neutral and non-polar, with isoleucine, which is neutral and non-polar, at codon 1524 of the ATM protein (p.Leu1524Ile). This variant is present in population databases (rs780603110, gnomAD 0.009%). This variant has not been reported in the literature in individuals affected with ATM-related conditions. ClinVar contains an entry for this variant (Variation ID: 825011). Invitae Evidence Modeling of protein sequence and biophysical properties (such as structural, functional, and spatial information, amino acid conservation, physicochemical variation, residue mobility, and thermodynamic stability) indicates that this missense variant is not expected to disrupt ATM protein function with a negative predictive value of 95%. In summary, the available evidence is currently insufficient to determine the role of this variant in disease. Therefore, it has been classified as a Variant of Uncertain Significance.

Women's Health and Genetics/Laboratory Corporation of America, LabCorp
Classification: Uncertain significance. Last evaluated: 2024-09-19. Review status: criteria provided, single submitter. Criteria: LabCorp Variant Classification Summary - May 2015. Collection method: clinical testing. Allele origin: germline.